The following is an entry in ClinVar:

NM_016247.4(IMPG2):c.62_64del (p.Glu21del)

Gene: IMPG2 (interphotoreceptor matrix proteoglycan 2; minus strand). Cytogenetic location: 3q12.3.
Variant type: Deletion.
Coding change: c.62_64del on transcript NM_016247.4 (MANE Select); coding-DNA positions 62 to 64, 3 bases deleted (AAG; older notation c.62_64delAAG).
Protein change: p.Glu21del; deletes glutamic acid 21.
Molecular consequence: inframe deletion.
Genome position (GRCh38, 1-based): chr3:101,320,309-101,320,311, CTT deleted on the plus strand (AAG on the coding strand, the reverse complement: IMPG2 is on the minus strand); deleting any 3 consecutive bases within chr3:101,320,309-101,320,313 gives the same sequence; the c. name uses the placement nearest the transcript's 3' end. VCF-style (leftmost placement, unchanged base first): chr3-101320308-CCTT-C. GRCh37 (hg19) VCF-style: chr3-101039152-CCTT-C.
Other names: short protein forms E21del.
Identifiers: ClinVar variation 1350018 (VCV001350018.7), dbSNP rs2058805195, ClinGen allele CA913100194.
Genomic context (GRCh38, chr3:101,320,308, plus strand): 5'-AGATATGGAAAGATAAAAACAAATGTAGATTTTTAAATACCTGTTAATGATGGAAAGTCT[CCTT>C]CTATCAGGACAAATATCAAAATACCCAGAGAAATCTTCCCAAAAAGAGGAAACATAATCA-3'

ClinVar aggregate classification (germline): Uncertain significance (1 of 4 stars; one submission).

Submission:

Labcorp Genetics (formerly Invitae), Labcorp
Classification: Uncertain significance. Last evaluated: 2021-04-02. Review status: criteria provided, single submitter. Criteria: Invitae Variant Classification Sherloc (09022015). Collection method: clinical testing. Allele origin: germline.
Comment: This variant, c.62_64del, results in the deletion of 1 amino acid(s) of the IMPG2 protein (p.Glu21del), but otherwise preserves the integrity of the reading frame. This variant is not present in population databases (ExAC no frequency). This variant has not been reported in the literature in individuals with IMPG2-related conditions. Experimental studies and prediction algorithms are not available or were not evaluated, and the functional significance of this variant is currently unknown. In summary, the available evidence is currently insufficient to determine the role of this variant in disease. Therefore, it has been classified as a Variant of Uncertain Significance.